The following is an entry in ClinVar:

NM_000059.4(BRCA2):c.6553del (p.Ala2185fs)

Gene: BRCA2 (BRCA2 DNA repair associated; plus strand). Cytogenetic location: 13q13.1.
Variant type: Deletion.
Coding change: c.6553del on transcript NM_000059.4 (MANE Select); coding-DNA position 6553, one base deleted (G; older notation c.6553delG).
Protein change: p.Ala2185fs; shifts the reading frame from alanine 2185.
Molecular consequence: frameshift variant.
Genome position (GRCh38, 1-based): chr13:32,340,908, G deleted; the last of 2 consecutive G bases (chr13:32,340,907-32,340,908); deleting either gives the same sequence. VCF-style (leftmost placement, unchanged base first): chr13-32340906-AG-A. GRCh37 (hg19) VCF-style: chr13-32915043-AG-A.
Other names: 6781delG; c.6553delG (NM_000059.3).
Identifiers: ClinVar variation 52127 (VCV000052127.46), dbSNP rs80359603, ClinGen allele CA024162.
Genomic context (GRCh38, chr13:32,340,906, plus strand): 5'-AGTTGGTATTAGGAACCAAAGTGTCACTTGTTGAGAACATTCATGTTTTGGGAAAAGAAC[AG>A]GCTTCACCTAAAAACGTAAAAATGGAAATTGGTAAAACTGAAACTTTTTCTGATGTTCCT-3'

ClinVar aggregate classification (germline): Pathogenic. Review status: reviewed by expert panel (3 of 4 stars). 15 submissions from 15 submitters: Pathogenic (1). 14 of the submissions do not count toward it. Last evaluated 2016-09-08.

Conditions:
Gastric cancer. Also called: Malignant tumor of stomach; Stomach cancer. Identifiers: MedGen C0024623, MeSH D013274, MONDO:0001056, OMIM 613659, HP:0012126.
Hereditary cancer-predisposing syndrome. Also called: Hereditary Cancer Syndrome; Tumor predisposition; Neoplastic Syndromes, Hereditary; Hereditary neoplastic syndrome. Identifiers: Orphanet 140162, MedGen C0027672, MeSH D009386, MONDO:0015356.
Breast neoplasm. Also called: Breast Neoplasms; Neoplasm of the breast; Neoplasm of breast; Breast tumor. Identifiers: MedGen C1458155, MeSH D001943, MONDO:0021100, HP:0100013. Disease mechanism: gain of function.
Hereditary breast ovarian cancer syndrome. Also called: Breast and ovarian cancer; BRCA1- and BRCA2-Associated Hereditary Breast and Ovarian Cancer; Hereditary breast and ovarian cancer; Hereditary breast and ovarian cancer syndrome (HBOC); Hereditary breast and ovarian cancer syndrome; Hereditary breast and/or ovarian cancer syndrome. Identifiers: Orphanet 145, MedGen C0677776, MeSH D061325, MONDO:0003582. Disease mechanism: loss of function.
Breast-ovarian cancer, familial, susceptibility to, 2 (BROVCA2). Also called: BRCA2 Hereditary Breast and Ovarian Cancer. Identifiers: Orphanet 145, MedGen C2675520, MONDO:0012933, OMIM 612555. Disease mechanism: loss of function.

Submissions (15):

Evidence-based Network for the Interpretation of Germline Mutant Alleles (ENIGMA)
Classification: Pathogenic for Breast-ovarian cancer, familial, susceptibility to, 2. Last evaluated: 2016-09-08. Review status: reviewed by expert panel. Criteria: ENIGMA BRCA1/2 Classification Criteria (2015). Collection method: curation. Allele origin: germline.
Comment: Variant allele predicted to encode a truncated non-functional protein.

Institute of Human Genetics, University of Leipzig Medical Center
Classification: Pathogenic for Breast-ovarian cancer, familial, susceptibility to, 2. Last evaluated: 2026-08-24. Review status: criteria provided, single submitter. Criteria: ACMG Guidelines, 2015. Collection method: clinical testing. Allele origin: unknown. Inheritance: Autosomal dominant inheritance. Affected: yes. Not counted in ClinVar's aggregate classification.
Comment: Criteria applied: PVS1,PM5_STR,PM2_SUP

Ambry Genetics
Classification: Pathogenic for Hereditary cancer-predisposing syndrome. Last evaluated: 2025-12-01. Review status: criteria provided, single submitter. Criteria: Ambry Variant Classification Scheme 2023. Collection method: clinical testing. Allele origin: germline. Not counted in ClinVar's aggregate classification.
Comment: The c.6553delG pathogenic mutation, located in coding exon 10 of the BRCA2 gene, results from a deletion of one nucleotide at position 6553, causing a translational frameshift with a predicted alternate stop codon (p.A2185Lfs*6). This alteration has been identified in multiple individuals with a personal and/or family history of breast and/or ovarian cancer (Kim H, Breast Cancer Res. Treat. 2012 Aug; 134(3):1315-26; Park B et al. Breast Cancer Res. Treat., 2017 May;163:139-150). Of note, this alteration is also known as 6781delG in published literature. This alteration is expected to result in loss of function by premature protein truncation or nonsense-mediated mRNA decay. As such, this alteration is interpreted as a disease-causing mutation.

CeGaT Center for Human Genetics Tuebingen
Classification: Pathogenic. Last evaluated: 2025-08-01. Review status: criteria provided, single submitter. Criteria: CeGaT Center For Human Genetics Tuebingen Variant Classification Criteria Version 2. Collection method: clinical testing. Allele origin: germline. Affected: yes. Observed: 1 variant allele. Not counted in ClinVar's aggregate classification.
Comment: BRCA2: PVS1, PM2, PS4:Moderate

Labcorp Genetics (formerly Invitae), Labcorp
Classification: Pathogenic for Hereditary breast ovarian cancer syndrome. Last evaluated: 2023-02-01. Review status: criteria provided, single submitter. Criteria: Invitae Variant Classification Sherloc (09022015). Collection method: clinical testing. Allele origin: germline. Not counted in ClinVar's aggregate classification.
Comment: This sequence change creates a premature translational stop signal (p.Ala2185Leufs*6) in the BRCA2 gene. It is expected to result in an absent or disrupted protein product. Loss-of-function variants in BRCA2 are known to be pathogenic (PMID: 20104584). This variant is not present in population databases (gnomAD no frequency). This premature translational stop signal has been observed in individual(s) with breast and/or ovarian cancer (PMID: 22798144, 27257965, 28205045, 28724667, 29752822). This variant is also known as 6781delG. ClinVar contains an entry for this variant (Variation ID: 52127). For these reasons, this variant has been classified as Pathogenic.

Women's Health and Genetics/Laboratory Corporation of America, LabCorp
Classification: Pathogenic for Hereditary breast ovarian cancer syndrome. Last evaluated: 2022-09-07. Review status: criteria provided, single submitter. Criteria: LabCorp Variant Classification Summary - May 2015. Collection method: clinical testing. Allele origin: germline. Not counted in ClinVar's aggregate classification.
Comment: Variant summary: BRCA2 c.6553delG (p.Ala2185LeufsX6) results in a premature termination codon, predicted to cause a truncation of the encoded protein or absence of the protein due to nonsense mediated decay, which are commonly known mechanisms for disease. Truncations downstream of this position have been classified as pathogenic by our laboratory. The variant was absent in 246080 control chromosomes. c.6553delG has been reported in the literature in individuals affected with Hereditary Breast And Ovarian Cancer Syndrome (e.g. Rebbeck_2018, Momozawa_2020, Li_2018), supporting an association with disease. Eight clinical diagnostic laboratories have submitted clinical-significance assessments for this variant to ClinVar after 2014 without evidence for independent evaluation. All laboratories classified the variant as pathogenic. Based on the evidence outlined above, the variant was classified as pathogenic.

Color Diagnostics, LLC DBA Color Health
Classification: Pathogenic for Hereditary cancer-predisposing syndrome. Last evaluated: 2021-04-30. Review status: criteria provided, single submitter. Criteria: ACMG Guidelines, 2015. Collection method: clinical testing. Allele origin: germline. Not counted in ClinVar's aggregate classification.
Comment: This variant deletes 1 nucleotide in exon 11 of the BRCA2 gene, creating a frameshift and premature translation stop signal. This variant is expected to result in an absent or non-functional protein product. To our knowledge, functional studies have not been reported for this variant. This variant has been reported in at least six individuals affected with breast and ovarian cancer, one individual affected with prostate cancer and one unaffected individual (PMID: 22798144, 26496295, 27257965, 28205045, 31214711, 33471991; Leiden Open Variation Database DB-ID BRCA2_002718). This variant has not been identified in the general population by the Genome Aggregation Database (gnomAD). Loss of BRCA2 function is a known mechanism of disease. Based on the available evidence, this variant is classified as Pathogenic.

Laboratory for Molecular Medicine, Mass General Brigham Personalized Medicine
Classification: Pathogenic for Hereditary breast ovarian cancer syndrome. Last evaluated: 2019-10-14. Review status: criteria provided, single submitter. Criteria: ACMG Guidelines, 2015. Collection method: clinical testing. Allele origin: germline. Not counted in ClinVar's aggregate classification.
Comment: The p.Ala2185LeufsX6 variant in BRCA2 has been reported in at least 8 individuals with breast cancer (Kim 2012, Park 2017, Sun 2017, Li 2018, BIC database). It was absent from large population studies. This variant is predicted to cause a frameshift, which alters the protein’s amino acid sequence beginning at position 2185 and leads to a premature termination codon 6 amino acids downstream. This alteration is then predicted to lead to a truncated or absent protein. Loss of function of the BRCA2 gene is an established disease mechanism in autosomal dominant hereditary breast and ovarian cancer syndrome (HBOC). Additionally, this variant was classified as Pathogenic on Sept 8, 2016 by the ClinGen-approved ENIGMA expert panel (Variation ID: 52127). In summary, this variant meets criteria to be classified as pathogenic for autosomal dominant HBOC. ACMG/AMP Criteria applied: PVS1, PM2, PS4_Moderate.

Clinical Genetics and Genomics, Karolinska University Hospital
Classification: Pathogenic. Last evaluated: 2019-03-18. Review status: criteria provided, single submitter. Criteria: ACMG Guidelines, 2015. Collection method: clinical testing. Allele origin: germline. Affected: yes. Observed: 1 variant allele. Not counted in ClinVar's aggregate classification.

GeneDx
Classification: Pathogenic. Last evaluated: 2017-02-20. Review status: criteria provided, single submitter. Criteria: GeneDx Variant Classification (06012015). Collection method: clinical testing. Allele origin: germline. Affected: yes. Not counted in ClinVar's aggregate classification.
Comment: The c.6553delG known pathogenic variant has been observed previously in several families with Hereditary Breast and Ovarian Cancer (Kim 2012, Kang 2015, Ogata 2015). This deletion causes a frameshift starting with codon Alanine 2185, changes this amino acid to a Leucine residue, and creates a premature Stop codon at position 6 of the new reading frame, denoted p.Ala2185LeufsX6. This variant is predicted to cause loss of normal protein function through either protein truncation or nonsense-mediated mRNA decay. The c.6553delG variant is not observed in large population cohorts (Lek et al., 2016; 1000 Genomes Consortium et al., 2015; Exome Variant Server). Therefore, based on the ACMG recommendations, c.6553delG is interpreted as a known pathogenic sequence change.

Laboratory of Molecular Diagnosis of Cancer, West China Hospital, Sichuan University
Classification: Pathogenic for Breast neoplasm. Last evaluated: 2015-11-01. Review status: criteria provided, single submitter. Criteria: ACMG Guidelines, 2015. Collection method: research. Allele origin: germline. Affected: yes. Observed: 1 variant allele. Not counted in ClinVar's aggregate classification.

Consortium of Investigators of Modifiers of BRCA1/2 (CIMBA), c/o University of Cambridge
Classification: Pathogenic for Breast-ovarian cancer, familial, susceptibility to, 2. Last evaluated: 2015-10-02. Review status: criteria provided, single submitter. Criteria: CIMBA Mutation Classification guidelines May 2016. Collection method: clinical testing. Allele origin: germline. Not counted in ClinVar's aggregate classification.

Laboratory for Genotyping Development, RIKEN
Classification: Pathogenic for Gastric cancer. Last evaluated: 2021-07-01. Review status: no assertion criteria provided. Collection method: research. Allele origin: germline. Not counted in ClinVar's aggregate classification.

BRCAlab, Lund University
Classification: Pathogenic for Breast-ovarian cancer, familial, susceptibility to, 2. Last evaluated: 2020-03-02. Review status: no assertion criteria provided. Collection method: clinical testing. Allele origin: germline. Affected: yes. Not counted in ClinVar's aggregate classification.

Breast Cancer Information Core (BIC) (BRCA2)
Classification: Pathogenic for Breast-ovarian cancer, familial 2. Last evaluated: 2002-06-20. Review status: no assertion criteria provided. Collection method: clinical testing. Allele origin: germline. Affected: yes. Observed: 1 variant allele. Not counted in ClinVar's aggregate classification.

Literature cited by the submitters: PubMed 22798144 (cited by 3 submitters); PubMed 28205045 (cited by 3 submitters); PubMed 20104584 (cited by Labcorp Genetics (formerly Invitae), Labcorp); PubMed 27257965 (cited by Labcorp Genetics (formerly Invitae), Labcorp and Laboratory of Molecular Diagnosis of Cancer, West China Hospital, Sichuan University); PubMed 28724667 (cited by Labcorp Genetics (formerly Invitae), Labcorp and Laboratory for Molecular Medicine, Mass General Brigham Personalized Medicine); PubMed 29752822 (cited by Labcorp Genetics (formerly Invitae), Labcorp and Laboratory for Molecular Medicine, Mass General Brigham Personalized Medicine); PubMed 29446198 (cited by Women's Health and Genetics/Laboratory Corporation of America, LabCorp); PubMed 31214711 (cited by Women's Health and Genetics/Laboratory Corporation of America, LabCorp); PubMed 32820175 (cited by Women's Health and Genetics/Laboratory Corporation of America, LabCorp); PubMed 34046351 (cited by Women's Health and Genetics/Laboratory Corporation of America, LabCorp); PubMed 36988593 (cited by Laboratory for Genotyping Development, RIKEN).